The following is an entry in ClinVar:

NM_001113378.2(FANCI):c.1082C>T (p.Ser361Leu)

Gene: FANCI (FA complementation group I; plus strand). Cytogenetic location: 15q26.1.
Variant type: single nucleotide variant.
Coding change: c.1082C>T on transcript NM_001113378.2 (MANE Select); coding-DNA position 1082, C replaced by T.
Protein change: p.Ser361Leu; replaces serine 361 with leucine.
Molecular consequence: missense variant.
Genome position (GRCh38, 1-based): chr15:89,274,274, C>T. VCF-style: chr15-89274274-C-T. GRCh37 (hg19) VCF-style: chr15-89817505-C-T.
Other names: c.803C>T, p.Ser268Leu (NM_001376910.1); c.1082C>T, p.Ser361Leu (NM_001376911.1, NM_018193.3); short protein forms S361L, S268L.
Identifiers: ClinVar variation 1475501 (VCV001475501.6), dbSNP rs2151453253, ClinGen allele CA393741726.

ClinVar aggregate classification (germline): Uncertain significance (1 of 4 stars; one submission).

Conditions:
Fanconi anemia (FA). Also called: Fanconi's anemia. Identifiers: Orphanet 84, MedGen C0015625, MeSH D005199, MONDO:0019391.

gnomAD v4.1: 1 of 1,613,424 alleles (0.000062%); no homozygotes.

Submission:

Labcorp Genetics (formerly Invitae), Labcorp
Classification: Uncertain significance for Fanconi anemia. Last evaluated: 2021-10-24. Review status: criteria provided, single submitter. Criteria: Invitae Variant Classification Sherloc (09022015). Collection method: clinical testing. Allele origin: germline.
Comment: This sequence change replaces serine, which is neutral and polar, with leucine, which is neutral and non-polar, at codon 361 of the FANCI protein (p.Ser361Leu). This variant is not present in population databases (gnomAD no frequency). This variant has not been reported in the literature in individuals affected with FANCI-related conditions. Algorithms developed to predict the effect of missense changes on protein structure and function are either unavailable or do not agree on the potential impact of this missense change (SIFT: "Deleterious"; PolyPhen-2: "Benign"; Align-GVGD: "Class C0"). In summary, the available evidence is currently insufficient to determine the role of this variant in disease. Therefore, it has been classified as a Variant of Uncertain Significance.